The following is an entry in ClinVar:

ClinVar aggregate classification (germline): Uncertain significance (1 of 4 stars; one submission).

Conditions:
Charcot-Marie-Tooth disease type 2. Also called: Charcot-Marie-Tooth type 2. Identifiers: Orphanet 64746, MedGen C0270914, MONDO:0018993.

gnomAD v4.1: 2 of 1,613,708 alleles (0.00012%); highest among the groups gnomAD compares: East Asian, 0.0022%; no homozygotes.

Submission:

Labcorp Genetics (formerly Invitae), Labcorp
Classification: Uncertain significance for Charcot-Marie-Tooth disease type 2. Last evaluated: 2025-08-10. Review status: criteria provided, single submitter. Criteria: Invitae Variant Classification Sherloc (09022015). Collection method: clinical testing. Allele origin: germline.
Comment: This sequence change replaces tyrosine, which is neutral and polar, with cysteine, which is neutral and slightly polar, at codon 453 of the GARS protein (p.Tyr453Cys). This variant is present in population databases (no rsID available, gnomAD 0.007%). This variant has not been reported in the literature in individuals affected with GARS-related conditions. Invitae Evidence Modeling of protein sequence and biophysical properties (such as structural, functional, and spatial information, amino acid conservation, physicochemical variation, residue mobility, and thermodynamic stability) indicates that this missense variant is not expected to disrupt GARS protein function with a negative predictive value of 80%. In summary, the available evidence is currently insufficient to determine the role of this variant in disease. Therefore, it has been classified as a Variant of Uncertain Significance.

NM_002047.4(GARS1):c.1358A>G (p.Tyr453Cys)

Gene: GARS1 (glycyl-tRNA synthetase 1; plus strand). Cytogenetic location: 7p14.3.
Variant type: single nucleotide variant.
Coding change: c.1358A>G on transcript NM_002047.4 (MANE Select); coding-DNA position 1358, A replaced by G.
Protein change: p.Tyr453Cys; replaces tyrosine 453 with cysteine.
Molecular consequence: missense variant.
Genome position (GRCh38, 1-based): chr7:30,617,277, A>G. VCF-style: chr7-30617277-A-G. GRCh37 (hg19) VCF-style: chr7-30656893-A-G.
Other names: c.1196A>G, p.Tyr399Cys (NM_001316772.1); short protein forms Y399C, Y453C.
Identifiers: ClinVar variation 4705514 (VCV004705514.1).